The following is an entry in ClinVar:

ClinVar aggregate classification (germline): Uncertain significance. Review status: criteria provided, multiple submitters, no conflicts (2 of 4 stars). 2 submissions from 2 submitters: Uncertain significance (2). Last evaluated 2025-02-11.

Conditions:
Charcot-Marie-Tooth disease axonal type 2O. Also called: CHARCOT-MARIE-TOOTH NEUROPATHY, AXONAL, TYPE 2O; CHARCOT-MARIE-TOOTH DISEASE, AXONAL, AUTOSOMAL DOMINANT, TYPE 2O; Charcot-Marie-Tooth Neuropathy Type 2O; Charcot-Marie-Tooth disease, axonal, type 20. Identifiers: Orphanet 284232, MedGen C3280220, MONDO:0013644, OMIM 614228.

Submissions (2):

Labcorp Genetics (formerly Invitae), Labcorp
Classification: Uncertain significance for Charcot-Marie-Tooth disease axonal type 2O. Last evaluated: 2025-02-11. Review status: criteria provided, single submitter. Criteria: Invitae Variant Classification Sherloc (09022015). Collection method: clinical testing. Allele origin: germline.
Comment: This sequence change replaces threonine, which is neutral and polar, with isoleucine, which is neutral and non-polar, at codon 4628 of the DYNC1H1 protein (p.Thr4628Ile). This variant is not present in population databases (gnomAD no frequency). This variant has not been reported in the literature in individuals affected with DYNC1H1-related conditions. ClinVar contains an entry for this variant (Variation ID: 3373322). Invitae Evidence Modeling of protein sequence and biophysical properties (such as structural, functional, and spatial information, amino acid conservation, physicochemical variation, residue mobility, and thermodynamic stability) indicates that this missense variant is not expected to disrupt DYNC1H1 protein function with a negative predictive value of 95%. In summary, the available evidence is currently insufficient to determine the role of this variant in disease. Therefore, it has been classified as a Variant of Uncertain Significance.

GeneDx
Classification: Uncertain significance. Last evaluated: 2024-04-30. Review status: criteria provided, single submitter. Criteria: GeneDx Variant Classification Process June 2021. Collection method: clinical testing. Allele origin: germline. Affected: yes.
Comment: Not observed at significant frequency in large population cohorts (gnomAD); In silico analysis indicates that this missense variant does not alter protein structure/function; Has not been previously published as pathogenic or benign to our knowledge; This variant is associated with the following publications: (PMID: 25512093, 25609763, 26100331)

NM_001376.5(DYNC1H1):c.13883C>T (p.Thr4628Ile)

Gene: DYNC1H1 (dynein cytoplasmic 1 heavy chain 1; plus strand). Cytogenetic location: 14q32.31.
Variant type: single nucleotide variant.
Coding change: c.13883C>T on transcript NM_001376.5 (MANE Select); coding-DNA position 13883, C replaced by T.
Protein change: p.Thr4628Ile; replaces threonine 4628 with isoleucine.
Molecular consequence: missense variant.
Genome position (GRCh38, 1-based): chr14:102,050,505, C>T. VCF-style: chr14-102050505-C-T. GRCh37 (hg19) VCF-style: chr14-102516842-C-T.
Other names: short protein forms T4628I.
Identifiers: ClinVar variation 3373322 (VCV003373322.2).